The following is an entry in ClinVar:

ClinVar aggregate classification (germline): Uncertain significance (1 of 4 stars; one submission).

gnomAD v4.1: 12 of 1,607,624 alleles (0.00075%); highest among the groups gnomAD compares: Admixed American, 0.0083%; no homozygotes.

Submission:

Labcorp Genetics (formerly Invitae), Labcorp
Classification: Uncertain significance. Last evaluated: 2025-09-24. Review status: criteria provided, single submitter. Criteria: Invitae Variant Classification Sherloc (09022015). Collection method: clinical testing. Allele origin: germline.
Comment: This sequence change replaces alanine, which is neutral and non-polar, with threonine, which is neutral and polar, at codon 36 of the CASZ1 protein (p.Ala36Thr). This variant is present in population databases (rs778145423, gnomAD 0.01%). This missense change has been observed in individual(s) with neurodevelopmental disorder (PMID: 33004838). ClinVar contains an entry for this variant (Variation ID: 3614943). An algorithm developed to predict the effect of missense changes on protein structure and function (PolyPhen-2) suggests that this variant is likely to be disruptive. In summary, the available evidence is currently insufficient to determine the role of this variant in disease. Therefore, it has been classified as a Variant of Uncertain Significance.

Literature cited by the submitters: PubMed 33004838.

NM_001079843.3(CASZ1):c.106G>A (p.Ala36Thr)

Gene: CASZ1 (castor zinc finger 1; minus strand). Cytogenetic location: 1p36.22.
Variant type: single nucleotide variant.
Coding change: c.106G>A on transcript NM_001079843.3 (MANE Select); coding-DNA position 106, G replaced by A.
Protein change: p.Ala36Thr; replaces alanine 36 with threonine.
Molecular consequence: missense variant.
Genome position (GRCh38, 1-based): chr1:10,665,482, C>T on the plus strand (G>A on the coding strand, the complement: CASZ1 is on the minus strand). VCF-style: chr1-10665482-C-T. GRCh37 (hg19) VCF-style: chr1-10725539-C-T.
Other names: c.106G>A, p.Ala36Thr (NM_017766.5); short protein forms A36T.
Identifiers: ClinVar variation 3614943 (VCV003614943.2).